The following is an entry in ClinVar:

NM_024426.6(WT1):c.1249A>G (p.Ser417Gly)

Gene: WT1 (WT1 transcription factor; minus strand). Cytogenetic location: 11p13.
Variant type: single nucleotide variant.
Coding change: c.1249A>G on transcript NM_024426.6 (MANE Select); coding-DNA position 1249, A replaced by G.
Protein change: p.Ser417Gly; replaces serine 417 with glycine.
Molecular consequence: missense variant. On other transcripts: non-coding transcript variant (2).
Genome position (GRCh38, 1-based): chr11:32,396,272, T>C on the plus strand (A>G on the coding strand, the complement: WT1 is on the minus strand). VCF-style: chr11-32396272-T-C. GRCh37 (hg19) VCF-style: chr11-32417818-T-C.
Other names: c.1234A>G (NM_024426.4); c.1198A>G, p.Ser400Gly (NM_000378.6, NM_001407045.1, NM_001407048.1 and 1 more transcripts); c.598A>G, p.Ser200Gly (NM_001198551.2); c.547A>G, p.Ser183Gly (NM_001198552.2); c.61A>G, p.Ser21Gly (NM_001367854.1); c.1243A>G, p.Ser415Gly (NM_001407044.1); c.1249A>G, p.Ser417Gly (NM_001407046.1, NM_024424.5); c.1126A>G, p.Ser376Gly (NM_001407047.1); and 3 more; short protein forms S359G, S21G, S376G, S400G, S412G, S200G, S417G, S163G.
Identifiers: ClinVar variation 2941308 (VCV002941308.4), dbSNP rs2494778742, ClinGen allele CA379959793.

ClinVar aggregate classification (germline): Uncertain significance. Review status: criteria provided, multiple submitters, no conflicts (2 of 4 stars). 2 submissions from 2 submitters: Uncertain significance (2). Last evaluated 2025-05-15.

Conditions:
Frasier syndrome. Identifiers: Orphanet 347, MedGen C0950122, MeSH D052159, MONDO:0007635, OMIM 136680.
Drash syndrome (DDS). Also called: NEPHROPATHY, WILMS TUMOR, AND GENITAL ANOMALIES; WILMS TUMOR AND PSEUDO- OR TRUE HERMAPHRODITISM. Identifiers: Orphanet 220, MedGen C0950121, MONDO:0008682, OMIM 194080.
Wilms tumor 1 (WT1). Also called: Wilms tumor, somatic. Identifiers: Orphanet 654, MedGen CN033288, MONDO:0008679, OMIM 194070.
11p partial monosomy syndrome (WAGR). Also called: CHROMOSOME 11p13 DELETION SYNDROME; WAGR syndrome; WAGR Complex; WAGR Spectrum Disorder. Identifiers: Orphanet 893, MedGen C0206115, MONDO:0008681, OMIM 194072.
Inborn genetic diseases. Identifiers: MedGen C0950123, MeSH D030342.

Allele frequency attached by ClinVar (database versions not stated): gnomAD exomes below 0.00001.
gnomAD v4.1: 1 of 1,614,242 alleles (0.000062%); highest among the groups gnomAD compares: Non-Finnish European, 0.000085%; no homozygotes.

Submissions (2):

Ambry Genetics
Classification: Uncertain significance for Inborn genetic diseases. Last evaluated: 2025-05-15. Review status: criteria provided, single submitter. Criteria: Ambry Variant Classification Scheme 2023. Collection method: clinical testing. Allele origin: germline.
Comment: The p.S412G variant (also known as c.1234A>G), located in coding exon 7 of the WT1 gene, results from an A to G substitution at nucleotide position 1234. The serine at codon 412 is replaced by glycine, an amino acid with similar properties. This amino acid position is conserved. In addition, this alteration is predicted to be tolerated by in silico analysis. Based on the available evidence, the clinical significance of this variant remains unclear.

Labcorp Genetics (formerly Invitae), Labcorp
Classification: Uncertain significance for Wilms tumor 1; Drash syndrome; 11p partial monosomy syndrome; Frasier syndrome. Last evaluated: 2022-11-04. Review status: criteria provided, single submitter. Criteria: Invitae Variant Classification Sherloc (09022015). Collection method: clinical testing. Allele origin: germline.
Comment: This sequence change replaces serine, which is neutral and polar, with glycine, which is neutral and non-polar, at codon 412 of the WT1 protein (p.Ser412Gly). This variant is not present in population databases (gnomAD no frequency). This variant has not been reported in the literature in individuals affected with WT1-related conditions. Algorithms developed to predict the effect of missense changes on protein structure and function are either unavailable or do not agree on the potential impact of this missense change (SIFT: "Deleterious"; PolyPhen-2: "Benign"; Align-GVGD: "Class C55"). In summary, the available evidence is currently insufficient to determine the role of this variant in disease. Therefore, it has been classified as a Variant of Uncertain Significance.